The following is an entry in ClinVar:

ClinVar aggregate classification (germline): Uncertain significance (1 of 4 stars; one submission).

Submission:

GeneDx
Classification: Uncertain significance. Last evaluated: 2022-02-25. Review status: criteria provided, single submitter. Criteria: GeneDx Variant Classification Process June 2021. Collection method: clinical testing. Allele origin: germline. Affected: yes.
Comment: Not observed at significant frequency in large population cohorts (gnomAD); In-frame deletion of 1 amino acids in a non-repeat region; In silico analysis supports that this variant does not alter protein structure/function; Has not been previously published as pathogenic or benign to our knowledge

NM_006766.5(KAT6A):c.1139AAG[1] (p.Glu381del)

Gene: KAT6A (lysine acetyltransferase 6A; minus strand). Cytogenetic location: 8p11.21.
Variant type: Microsatellite.
Coding change: c.1139AAG[1] on transcript NM_006766.5 (MANE Select); one copy of the 3-base unit AAG starting at c.1139; the reference has two copies in a row; one copy, 3 bases deleted.
Protein change: p.Glu381del; deletes glutamic acid 381.
Molecular consequence: inframe deletion.
Genome position (GRCh38, 1-based): chr8:41,977,227-41,977,229, CTT deleted on the plus strand (AAG on the coding strand, the reverse complement: KAT6A is on the minus strand); deleting any 3 consecutive bases within chr8:41,977,227-41,977,234 gives the same sequence; the position shown is the placement nearest the transcript's 3' end. VCF-style (leftmost placement, unchanged base first): chr8-41977226-CCTT-C. GRCh37 (hg19) VCF-style: chr8-41834744-CCTT-C.
Other names: c.1139AAG[1], p.Glu381del (NM_001305878.2); short protein forms E381del.
Identifiers: ClinVar variation 1703412 (VCV001703412.2), dbSNP rs1824101016, ClinGen allele CA1779210514.